The following is an entry in ClinVar:

ClinVar aggregate classification (germline): Benign/Likely benign. Review status: criteria provided, single submitter (1 of 4 stars). 3 submissions from 1 submitter: Benign (2); Likely benign (1). Last evaluated 2018-01-13.

Conditions:
Mastocytosis. Also called: Mast Cell Disease. Identifiers: Orphanet 98292, MedGen C0024899, MONDO:0007950, HP:0100495.
Gastrointestinal stromal tumor. Also called: Gastrointestinal stromal tumor, somatic; Gastrointestinal stroma tumor. Identifiers: Orphanet 44890, MedGen C0238198, MeSH D046152, MONDO:0011719, OMIM 606764, HP:0100723.
Piebaldism. Also called: Piebald skin depigmentation. Identifiers: Orphanet 2884, MedGen C0080024, MONDO:0008244, OMIM 172800, HP:0007544.

Allele frequency attached by ClinVar (database versions not stated): gnomAD exomes 0.00170; gnomAD 0.00770 and 0.00815; TOPMed 0.00873; 1000 Genomes Project 0.01018; 1000 Genomes Project 30x 0.01124.
gnomAD v4.1: 1,316 of 233,680 alleles (0.56%); highest among the groups gnomAD compares: African/African-American, 2.6%; 21 homozygotes.

Submissions (3):

Illumina Laboratory Services, Illumina
Classification: Likely benign for Piebaldism. Last evaluated: 2018-01-13. Review status: criteria provided, single submitter. Criteria: ICSL Variant Classification Criteria 13 December 2019. Collection method: clinical testing. Allele origin: germline.
Comment: This variant was observed in the ICSL laboratory as part of a predisposition screen in an ostensibly healthy population. It had not been previously curated by ICSL or reported in the Human Gene Mutation Database (HGMD: prior to June 1st, 2018), and was therefore a candidate for classification through an automated scoring system. Utilizing variant allele frequency, disease prevalence and penetrance estimates, and inheritance mode, an automated score was calculated to assess if this variant is too frequent to cause the disease. Based on the score and internal cut-off values, a variant classified as likely benign is not then subjected to further curation. The score for this variant resulted in a classification of likely benign for this disease.

Illumina Laboratory Services, Illumina
Classification: Benign for Gastrointestinal stromal tumor. Last evaluated: 2018-01-13. Review status: criteria provided, single submitter. Criteria: ICSL Variant Classification Criteria 13 December 2019. Collection method: clinical testing. Allele origin: germline.
Comment: This variant was observed in the ICSL laboratory as part of a predisposition screen in an ostensibly healthy population. It had not been previously curated by ICSL or reported in the Human Gene Mutation Database (HGMD: prior to June 1st, 2018), and was therefore a candidate for classification through an automated scoring system. Utilizing variant allele frequency, disease prevalence and penetrance estimates, and inheritance mode, an automated score was calculated to assess if this variant is too frequent to cause the disease. Based on the score and internal cut-off values, a variant classified as benign is not then subjected to further curation. The score for this variant resulted in a classification of benign for this disease.

Illumina Laboratory Services, Illumina
Classification: Benign for Cutaneous mastocytosis. Last evaluated: 2018-01-13. Review status: criteria provided, single submitter. Criteria: ICSL Variant Classification Criteria 13 December 2019. Collection method: clinical testing. Allele origin: germline.
Comment: the same text as in the submission from Illumina Laboratory Services, Illumina above.

NM_000222.3(KIT):c.*1524A>G

Gene: KIT (KIT proto-oncogene, receptor tyrosine kinase; plus strand). Cytogenetic location: 4q12.
Variant type: single nucleotide variant.
Coding change: c.*1524A>G on transcript NM_000222.3 (MANE Select); 1524 bases downstream of the stop codon, A replaced by G.
Molecular consequence: 3 prime UTR variant.
Genome position (GRCh38, 1-based): chr4:54,740,081, A>G. VCF-style: chr4-54740081-A-G. GRCh37 (hg19) VCF-style: chr4-55606247-A-G.
Other names: c.*1524A>G (NM_001093772.2, NM_001385284.1, NM_001385285.1 and 4 more transcripts).
Identifiers: ClinVar variation 348971 (VCV000348971.5), dbSNP rs17084736, ClinGen allele CA10621242.